The following is an entry in ClinVar:

NM_001164508.2(NEB):c.23094_23095dup (p.Arg7699fs)

Genes: NEB (nebulin; minus strand), RIF1 (replication timing regulatory factor 1; plus strand). Cytogenetic location: 2q23.3.
Variant type: Duplication.
Coding change: c.23094_23095dup on transcript NM_001164508.2 (MANE Select); coding-DNA positions 23094 to 23095, 2 bases duplicated (AA; older notation c.23094_23095dupAA).
Protein change: p.Arg7699fs; shifts the reading frame from arginine 7699.
Molecular consequence: frameshift variant.
Genome position (GRCh38, 1-based): chr2:151,514,350-151,514,351, TT duplicated on the plus strand (AA on the coding strand, the reverse complement: NEB is on the minus strand). VCF-style (leftmost placement, unchanged base first): chr2-151514349-C-CTT. GRCh37 (hg19) VCF-style: chr2-152370863-C-CTT.
Other names: c.23094_23095dup, p.Arg7699fs (NM_001164507.2); c.23199_23200dup, p.Arg7734fs (NM_001271208.2); c.17991_17992dup, p.Arg5998fs (NM_004543.5); short protein forms R5998fs, R7699fs, R7734fs.
Identifiers: ClinVar variation 5013995 (VCV005013995.1).
Genomic context (GRCh38, chr2:151,514,349, plus strand): 5'-TACGTGCAGGCAGTCAGCTGTGGGCCTACCTCATTGAGGATTTGAGTGGCATTCTTTGCT[C>CTT]TTAGCATGTCAGGTGTATCTTCCATTTCAGTGAGGCCCTTCCCACGGATGCTTTCCTCTA-3'

ClinVar aggregate classification (germline): Pathogenic (1 of 4 stars; one submission).

Conditions:
Nemaline myopathy 2 (NEM2). Also called: Nemaline myopathy 2, autosomal recessive. Identifiers: MedGen C1850569, MONDO:0009725, OMIM 256030.

Submission:

Myriad Genetics, Inc.
Classification: Pathogenic for Nemaline myopathy 2. Last evaluated: 2025-01-21. Review status: criteria provided, single submitter. Criteria: Myriad Autosomal Dominant, Autosomal Recessive and X-Linked Classification Criteria (2023). Collection method: clinical testing. Allele origin: unknown.
Comment: NM_001271208.1(NEB):c.23199_23200dupAA(R7734Kfs*28) is expected to be pathogenic in the context of NEB-related nemaline myopathy. This variant is predicted to lead to an abnormal or absent protein product due to the creation of a premature termination codon in NEB, a gene where loss-of-function variants are known to be pathogenic. Please note: this variant was assessed in the context of healthy population screening.